The following is an entry in ClinVar:

ClinVar aggregate classification (germline): Uncertain significance (1 of 4 stars; one submission).

Conditions:
Hypertrophic cardiomyopathy. Also called: HYPERTROPHIC MYOCARDIOPATHY. Identifiers: Orphanet 217569, MedGen C0007194, MeSH D002312, MONDO:0005045, HP:0001639.

Allele frequency attached by ClinVar (database versions not stated): gnomAD exomes below 0.00001 and 0.00001; TOPMed below 0.00001; gnomAD 0.00001.
gnomAD v4.1: 2 of 1,614,096 alleles (0.00012%); highest among the groups gnomAD compares: Non-Finnish European, 0.00017%; no homozygotes.

Submission:

Labcorp Genetics (formerly Invitae), Labcorp
Classification: Uncertain significance for Hypertrophic cardiomyopathy. Last evaluated: 2019-11-27. Review status: criteria provided, single submitter. Criteria: Invitae Variant Classification Sherloc (09022015). Collection method: clinical testing. Allele origin: germline.
Comment: In summary, the available evidence is currently insufficient to determine the role of this variant in disease. Therefore, it has been classified as a Variant of Uncertain Significance. The current clinical and genetic evidence is not sufficient to establish whether loss-of-function variants in MYH7 cause disease. This variant has not been reported in the literature in individuals with MYH7-related conditions. This variant is not present in population databases (ExAC no frequency). This sequence change creates a premature translational stop signal (p.Gln486*) in the MYH7 gene. It is expected to result in an absent or disrupted protein product.

NM_000257.4(MYH7):c.1456C>T (p.Gln486Ter)

Gene: MYH7 (myosin heavy chain 7; minus strand). Cytogenetic location: 14q11.2.
Variant type: single nucleotide variant.
Coding change: c.1456C>T on transcript NM_000257.4 (MANE Select); coding-DNA position 1456, C replaced by T.
Protein change: p.Gln486Ter; replaces glutamine 486 with a stop codon.
Molecular consequence: nonsense.
Genome position (GRCh38, 1-based): chr14:23,428,622, G>A on the plus strand (C>T on the coding strand, the complement: MYH7 is on the minus strand). VCF-style: chr14-23428622-G-A. GRCh37 (hg19) VCF-style: chr14-23897831-G-A.
Other names: short protein forms Q486*.
Identifiers: ClinVar variation 854228 (VCV000854228.7), dbSNP rs1186558363, ClinGen allele CA389050561.
Genomic context (GRCh38, chr14:23,428,622, plus strand): 5'-TGCCCTCCTTCTTGTACTCCTCCTGCTCCAGCACAAACATGTGGTGGTTGAAGAACTGCT[G>A]CAGCTTCTCGTTGGTGAAGTTGATGCAGAGCTGCTCAAAGCTGTTGAACTGCAGGGGGCA-3'